The following is an entry in ClinVar:

ClinVar aggregate classification (germline): Uncertain significance (1 of 4 stars; one submission).

Conditions:
Cerebral creatine deficiency syndrome. Also called: Creatine deficiency syndromes. Identifiers: Orphanet 79172, MedGen C5244016, MONDO:0000456.

Allele frequency attached by ClinVar (database versions not stated): ExAC 0.00002.

Submission:

Labcorp Genetics (formerly Invitae), Labcorp
Classification: Uncertain significance for Cerebral creatine deficiency syndrome. Last evaluated: 2021-09-24. Review status: criteria provided, single submitter. Criteria: Invitae Variant Classification Sherloc (09022015). Collection method: clinical testing. Allele origin: germline.
Comment: This sequence change replaces glutamic acid with glutamine at codon 43 of the GAMT protein (p.Glu43Gln). The glutamic acid residue is highly conserved and there is a small physicochemical difference between glutamic acid and glutamine. This variant is present in population databases (rs765081198, ExAC 0.005%). This variant has not been reported in the literature in individuals with GAMT-related conditions. Algorithms developed to predict the effect of missense changes on protein structure and function are either unavailable or do not agree on the potential impact of this missense change (SIFT: "Deleterious"; PolyPhen-2: "Possibly Damaging"; Align-GVGD: "Class C0"). In summary, the available evidence is currently insufficient to determine the role of this variant in disease. Therefore, it has been classified as a Variant of Uncertain Significance.

NM_000156.6(GAMT):c.127G>C (p.Glu43Gln)

Genes: GAMT (guanidinoacetate N-methyltransferase; minus strand), LOC130062945 (ATAC-STARR-seq lymphoblastoid silent region 9707; plus strand). Cytogenetic location: 19p13.3.
Variant type: single nucleotide variant.
Coding change: c.127G>C on transcript NM_000156.6 (MANE Select); coding-DNA position 127, G replaced by C.
Protein change: p.Glu43Gln; replaces glutamic acid 43 with glutamine.
Molecular consequence: missense variant.
Genome position (GRCh38, 1-based): chr19:1,401,350, C>G on the plus strand (G>C on the coding strand, the complement: GAMT is on the minus strand). VCF-style: chr19-1401350-C-G. GRCh37 (hg19) VCF-style: chr19-1401349-C-G.
Other names: c.127G>C, p.Glu43Gln (NM_138924.3); short protein forms E43Q.
Identifiers: ClinVar variation 1403508 (VCV001403508.5), dbSNP rs765081198, ClinGen allele CA9043801.